The following is an entry in ClinVar:

NM_001365276.2(TNXB):c.9691A>C (p.Lys3231Gln)

Gene: TNXB (tenascin XB; minus strand). Cytogenetic location: 6p21.33.
Variant type: single nucleotide variant.
Coding change: c.9691A>C on transcript NM_001365276.2 (MANE Select); coding-DNA position 9691, A replaced by C.
Protein change: p.Lys3231Gln; replaces lysine 3231 with glutamine.
Molecular consequence: missense variant.
Genome position (GRCh38, 1-based): chr6:32,049,336, T>G on the plus strand (A>C on the coding strand, the complement: TNXB is on the minus strand). VCF-style: chr6-32049336-T-G. GRCh37 (hg19) VCF-style: chr6-32017113-T-G.
Other names: c.9685A>C, p.Lys3229Gln (NM_019105.8); short protein forms K3231Q, K3229Q.
Identifiers: ClinVar variation 1767784 (VCV001767784.2), dbSNP rs1370169851, ClinGen allele CA363538039.

ClinVar aggregate classification (germline): Uncertain significance (1 of 4 stars; one submission).

Conditions:
Cardiovascular phenotype. Identifiers: MedGen CN230736.

Submission:

Ambry Genetics
Classification: Uncertain significance for Cardiovascular phenotype. Last evaluated: 2022-02-17. Review status: criteria provided, single submitter. Criteria: Ambry Variant Classification Scheme 2023. Collection method: clinical testing. Allele origin: germline.
Comment: The p.K3229Q variant (also known as c.9685A>C), located in coding exon 27 of the TNXB gene, results from an A to C substitution at nucleotide position 9685. The lysine at codon 3229 is replaced by glutamine, an amino acid with similar properties. This amino acid position is conserved. In addition, this alteration is predicted to be tolerated by in silico analysis. Since supporting evidence is limited at this time, the clinical significance of this alteration remains unclear.